The following is an entry in ClinVar:

ClinVar aggregate classification (germline): Uncertain significance (1 of 4 stars; one submission).

gnomAD v4.1: 4 of 1,609,686 alleles (0.00025%); highest among the groups gnomAD compares: African/African-American, 0.0013%; no homozygotes.

Submission:

GeneDx
Classification: Uncertain significance. Last evaluated: 2025-06-11. Review status: criteria provided, single submitter. Criteria: GeneDx Variant Classification Process June 2021. Collection method: clinical testing. Allele origin: germline. Affected: yes.
Comment: Not observed at significant frequency in large population cohorts (gnomAD); In silico analysis suggests that this missense variant does not alter protein structure/function; Has not been previously published as pathogenic or benign to our knowledge

NM_014991.6(WDFY3):c.4840C>T (p.Leu1614Phe)

Gene: WDFY3 (WD repeat and FYVE domain containing 3; minus strand). Cytogenetic location: 4q21.23.
Variant type: single nucleotide variant.
Coding change: c.4840C>T on transcript NM_014991.6 (MANE Select); coding-DNA position 4840, C replaced by T.
Protein change: p.Leu1614Phe; replaces leucine 1614 with phenylalanine.
Molecular consequence: missense variant.
Genome position (GRCh38, 1-based): chr4:84,772,844, G>A on the plus strand (C>T on the coding strand, the complement: WDFY3 is on the minus strand). VCF-style: chr4-84772844-G-A. GRCh37 (hg19) VCF-style: chr4-85693997-G-A.
Other names: short protein forms L1614F.
Identifiers: ClinVar variation 4537687 (VCV004537687.1).